The following is an entry in ClinVar:

ClinVar aggregate classification (germline): Uncertain significance (1 of 4 stars; one submission).

Submission:

GeneDx
Classification: Uncertain significance. Last evaluated: 2024-05-23. Review status: criteria provided, single submitter. Criteria: GeneDx Variant Classification Process June 2021. Collection method: clinical testing. Allele origin: germline. Affected: yes.
Comment: Not observed at significant frequency in large population cohorts (gnomAD); Frameshift variant predicted to result in abnormal protein length as the last 27 amino acids are replaced with 17 different amino acids; Has not been previously published as pathogenic or benign to our knowledge

NM_015602.4(TOR1AIP1):c.1668dup (p.Leu557fs)

Gene: TOR1AIP1 (torsin 1A interacting protein 1; plus strand). Cytogenetic location: 1q25.2.
Variant type: Duplication.
Coding change: c.1668dup on transcript NM_015602.4 (MANE Select); coding-DNA position 1668, one base duplicated (A; older notation c.1668dupA).
Protein change: p.Leu557fs; shifts the reading frame from leucine 557.
Molecular consequence: frameshift variant.
Genome position (GRCh38, 1-based): chr1:179,918,155, A duplicated; the last of 3 consecutive A bases (chr1:179,918,153-179,918,155); duplicating any one gives the same sequence. VCF-style (leftmost placement, unchanged base first): chr1-179918152-C-CA. GRCh37 (hg19) VCF-style: chr1-179887287-C-CA.
Other names: c.1671dup, p.Leu558fs (NM_001267578.2); short protein forms L557fs, L558fs.
Identifiers: ClinVar variation 3381681 (VCV003381681.1).